The following is an entry in ClinVar:

NM_032043.3(BRIP1):c.1445T>G (p.Ile482Ser)

Gene: BRIP1 (BRCA1 interacting DNA helicase 1; minus strand). Cytogenetic location: 17q23.2.
Variant type: single nucleotide variant.
Coding change: c.1445T>G on transcript NM_032043.3 (MANE Select); coding-DNA position 1445, T replaced by G.
Protein change: p.Ile482Ser; replaces isoleucine 482 with serine.
Molecular consequence: missense variant.
Genome position (GRCh38, 1-based): chr17:61,793,625, A>C on the plus strand (T>G on the coding strand, the complement: BRIP1 is on the minus strand). VCF-style: chr17-61793625-A-C. GRCh37 (hg19) VCF-style: chr17-59870986-A-C.
Other names: short protein forms I482S.
Identifiers: ClinVar variation 4867935 (VCV004867935.1).

ClinVar aggregate classification (germline): Uncertain significance (1 of 4 stars; one submission).

Conditions:
Hereditary cancer-predisposing syndrome. Also called: Neoplastic Syndromes, Hereditary; Tumor predisposition; Hereditary Cancer Syndrome; Hereditary neoplastic syndrome. Identifiers: Orphanet 140162, MedGen C0027672, MeSH D009386, MONDO:0015356.

Submission:

Ambry Genetics
Classification: Uncertain significance for Hereditary cancer-predisposing syndrome. Last evaluated: 2026-05-24. Review status: criteria provided, single submitter. Criteria: Ambry Variant Classification Scheme 2023. Collection method: clinical testing. Allele origin: germline.
Comment: The p.I482S variant (also known as c.1445T>G), located in coding exon 9 of the BRIP1 gene, results from a T to G substitution at nucleotide position 1445. The isoleucine at codon 482 is replaced by serine, an amino acid with dissimilar properties. This amino acid position is conserved. In addition, this alteration is predicted to be deleterious by in silico analysis. Based on the available evidence, the clinical significance of this variant remains unclear.